The following is an entry in ClinVar:

NM_002473.6(MYH9):c.1935del (p.Val646fs)

Gene: MYH9 (myosin heavy chain 9; minus strand). Cytogenetic location: 22q12.3.
Variant type: Deletion.
Coding change: c.1935del on transcript NM_002473.6 (MANE Select); coding-DNA position 1935, one base deleted (T; older notation c.1935delT).
Protein change: p.Val646fs; shifts the reading frame from valine 646.
Molecular consequence: frameshift variant.
Genome position (GRCh38, 1-based): chr22:36,306,516, A deleted on the plus strand (T on the coding strand, the reverse complement: MYH9 is on the minus strand). VCF-style (leftmost placement, unchanged base first): chr22-36306515-CA-C. GRCh37 (hg19) VCF-style: chr22-36702561-CA-C.
Other names: short protein forms V646fs.
Identifiers: ClinVar variation 5002056 (VCV005002056.1).
Genomic context (GRCh38, chr22:36,306,515, plus strand): 5'-GGTTCGTGTTCCTCAGCGTAGCCATCAGCTTGGCCAGCTGCTCCTTGTAAAGCTGCCCCA[CA>C]GTGCGGAACATGCCCTTCCGCGTCTTGAAGGCCCCGGGCAGTGCGGTCTCCGACATGCCG-3'

ClinVar aggregate classification (germline): Likely pathogenic (1 of 4 stars; one submission).

Conditions:
MYH9-related disorder. Identifiers: MedGen C1854520.

Submission:

PreventionGenetics, part of Exact Sciences
Classification: Likely pathogenic for MYH9-related condition. Last evaluated: 2025-05-12. Review status: criteria provided, single submitter. Criteria: ACMG Guidelines, 2015. Collection method: clinical testing. Allele origin: germline.
Comment: The MYH9 c.1935delT variant is predicted to result in a frameshift and premature protein termination (p.Val646Trpfs*12). To our knowledge, this variant has not been reported in the literature or in a large population database (gnomAD), indicating this variant is rare. Frameshift variants in MYH9 are expected to be pathogenic. This variant is interpreted as likely pathogenic.